The following is an entry in ClinVar:

ClinVar aggregate classification (germline): Uncertain significance (1 of 4 stars; one submission).

Allele frequency attached by ClinVar (database versions not stated): gnomAD exomes below 0.00001; ExAC 0.00001; TOPMed 0.00007; ESP Exome Variant Server 0.00015.
gnomAD v4.1: 23 of 1,612,038 alleles (0.0014%); highest among the groups gnomAD compares: African/African-American, 0.027%; no homozygotes.

Submission:

Labcorp Genetics (formerly Invitae), Labcorp
Classification: Uncertain significance. Last evaluated: 2022-07-03. Review status: criteria provided, single submitter. Criteria: Invitae Variant Classification Sherloc (09022015). Collection method: clinical testing. Allele origin: germline.
Comment: This sequence change replaces glycine, which is neutral and non-polar, with valine, which is neutral and non-polar, at codon 771 of the C6 protein (p.Gly771Val). This variant is present in population databases (rs370790517, gnomAD 0.02%). This variant has not been reported in the literature in individuals affected with C6-related conditions. Algorithms developed to predict the effect of missense changes on protein structure and function are either unavailable or do not agree on the potential impact of this missense change (SIFT: "Deleterious"; PolyPhen-2: "Possibly Damaging"; Align-GVGD: "Class C0"). In summary, the available evidence is currently insufficient to determine the role of this variant in disease. Therefore, it has been classified as a Variant of Uncertain Significance.

NM_000065.5(C6):c.2312G>T (p.Gly771Val)

Gene: C6 (complement C6; minus strand). Cytogenetic location: 5p13.1.
Variant type: single nucleotide variant.
Coding change: c.2312G>T on transcript NM_000065.5 (MANE Select); coding-DNA position 2312, G replaced by T.
Protein change: p.Gly771Val; replaces glycine 771 with valine.
Molecular consequence: missense variant.
Genome position (GRCh38, 1-based): chr5:41,150,004, C>A on the plus strand (G>T on the coding strand, the complement: C6 is on the minus strand). VCF-style: chr5-41150004-C-A. GRCh37 (hg19) VCF-style: chr5-41150106-C-A.
Other names: c.2312G>T, p.Gly771Val (NM_001115131.4); short protein forms G771V.
Identifiers: ClinVar variation 1980538 (VCV001980538.1), dbSNP rs370790517, ClinGen allele CA3252150.
Genomic context (GRCh38, chr5:41,150,004, plus strand): 5'-TCTTCTGGAGACATACAAATGCATTCAGATCCTGATTGTTTCTGTCCCAGCTGACAATGG[C>A]CTTTTAATTTTGTTAGAGTATCTGAAACAAAAGAAAAAAGGAGAAAAGAACAGTGCACAG-3'
Protein context (NP_000056.2, residues 761-781): CEKDTLTKLK[Gly771Val]HCQLGQKQSG